The following is an entry in ClinVar:

ClinVar aggregate classification (germline): Uncertain significance (1 of 4 stars; one submission).

Conditions:
Nemaline myopathy 2 (NEM2). Also called: Nemaline myopathy 2, autosomal recessive. Identifiers: MedGen C1850569, MONDO:0009725, OMIM 256030.

gnomAD v4.1: 1 of 1,612,882 alleles (0.000062%); highest among the groups gnomAD compares: African/African-American, 0.0013%; no homozygotes.

Submission:

Labcorp Genetics (formerly Invitae), Labcorp
Classification: Uncertain significance for Nemaline myopathy 2. Last evaluated: 2023-10-13. Review status: criteria provided, single submitter. Criteria: Invitae Variant Classification Sherloc (09022015). Collection method: clinical testing. Allele origin: germline.
Comment: This sequence change replaces aspartic acid, which is acidic and polar, with glutamic acid, which is acidic and polar, at codon 6795 of the NEB protein (p.Asp6795Glu). This variant is not present in population databases (gnomAD no frequency). This variant has not been reported in the literature in individuals affected with NEB-related conditions. ClinVar contains an entry for this variant (Variation ID: 1501892). Experimental studies and prediction algorithms are not available or were not evaluated, and the functional significance of this variant is currently unknown. In summary, the available evidence is currently insufficient to determine the role of this variant in disease. Therefore, it has been classified as a Variant of Uncertain Significance.

NM_001164508.2(NEB):c.20385C>G (p.Asp6795Glu)

Gene: NEB (nebulin; minus strand). Cytogenetic location: 2q23.3.
Variant type: single nucleotide variant.
Coding change: c.20385C>G on transcript NM_001164508.2 (MANE Select); coding-DNA position 20385, C replaced by G.
Protein change: p.Asp6795Glu; replaces aspartic acid 6795 with glutamic acid.
Molecular consequence: missense variant.
Genome position (GRCh38, 1-based): chr2:151,546,426, G>C on the plus strand (C>G on the coding strand, the complement: NEB is on the minus strand). VCF-style: chr2-151546426-G-C. GRCh37 (hg19) VCF-style: chr2-152402940-G-C.
Other names: c.20385C>G, p.Asp6795Glu (NM_001164507.2, NM_001271208.2); c.15282C>G, p.Asp5094Glu (NM_004543.5); short protein forms D5094E, D6795E.
Identifiers: ClinVar variation 1501892 (VCV001501892.5), dbSNP rs2153608107, ClinGen allele CA348781195.